The following is an entry in ClinVar:

ClinVar aggregate classification (germline): Uncertain significance. Review status: criteria provided, multiple submitters, no conflicts (2 of 4 stars). 4 submissions from 4 submitters: Uncertain significance (3). 1 of the submissions does not count toward it. Last evaluated 2025-11-26.

Conditions:
Hereditary cancer-predisposing syndrome. Also called: Hereditary neoplastic syndrome; Neoplastic Syndromes, Hereditary; Tumor predisposition; Hereditary Cancer Syndrome. Identifiers: Orphanet 140162, MedGen C0027672, MeSH D009386, MONDO:0015356.
Fanconi anemia (FA). Also called: Fanconi's anemia. Identifiers: Orphanet 84, MedGen C0015625, MeSH D005199, MONDO:0019391.

Allele frequency attached by ClinVar (database versions not stated): gnomAD exomes below 0.00001; ExAC 0.00001; gnomAD 0.00002; TOPMed 0.00002.
gnomAD v4.1: 8 of 1,598,188 alleles (0.0005%); highest among the groups gnomAD compares: East Asian, 0.0022%; no homozygotes.

Submissions (4):

Ambry Genetics
Classification: Uncertain significance for Hereditary cancer-predisposing syndrome. Last evaluated: 2025-11-26. Review status: criteria provided, single submitter. Criteria: Ambry Variant Classification Scheme 2023. Collection method: clinical testing. Allele origin: germline.

GeneDx
Classification: Uncertain significance. Last evaluated: 2024-02-27. Review status: criteria provided, single submitter. Criteria: GeneDx Variant Classification Process June 2021. Collection method: clinical testing. Allele origin: germline. Affected: yes.
Comment: Not observed at significant frequency in large population cohorts (gnomAD); In silico analysis supports that this missense variant does not alter protein structure/function; Has not been previously published as pathogenic or benign to our knowledge; This variant is associated with the following publications: (PMID: 35264596, Gordon2000[Book])

Labcorp Genetics (formerly Invitae), Labcorp
Classification: Uncertain significance for Fanconi anemia. Last evaluated: 2022-05-21. Review status: criteria provided, single submitter. Criteria: Invitae Variant Classification Sherloc (09022015). Collection method: clinical testing. Allele origin: germline.
Comment: This sequence change replaces valine, which is neutral and non-polar, with isoleucine, which is neutral and non-polar, at codon 117 of the FANCC protein (p.Val117Ile). This variant is present in population databases (rs781167993, gnomAD 0.005%). This variant has not been reported in the literature in individuals affected with FANCC-related conditions. ClinVar contains an entry for this variant (Variation ID: 421810). Algorithms developed to predict the effect of missense changes on protein structure and function (SIFT, PolyPhen-2, Align-GVGD) all suggest that this variant is likely to be tolerated. In summary, the available evidence is currently insufficient to determine the role of this variant in disease. Therefore, it has been classified as a Variant of Uncertain Significance.

Natera, Inc.
Classification: Uncertain significance for Fanconi anemia. Last evaluated: 2018-09-22. Review status: no assertion criteria provided. Collection method: clinical testing. Allele origin: germline. Not counted in ClinVar's aggregate classification.

NM_000136.3(FANCC):c.349G>A (p.Val117Ile)

Gene: FANCC (FA complementation group C; minus strand). Cytogenetic location: 9q22.32.
Variant type: single nucleotide variant.
Coding change: c.349G>A on transcript NM_000136.3 (MANE Select); coding-DNA position 349, G replaced by A.
Protein change: p.Val117Ile; replaces valine 117 with isoleucine.
Molecular consequence: missense variant.
Genome position (GRCh38, 1-based): chr9:95,172,144, C>T on the plus strand (G>A on the coding strand, the complement: FANCC is on the minus strand). VCF-style: chr9-95172144-C-T. GRCh37 (hg19) VCF-style: chr9-97934426-C-T.
Other names: c.349G>A, p.Val117Ile (NM_001243743.2, NM_001243744.2); short protein forms V117I.
Identifiers: ClinVar variation 421810 (VCV000421810.9), dbSNP rs781167993, ClinGen allele CA5137757.